The following is an entry in ClinVar:

ClinVar aggregate classification (germline): Pathogenic (1 of 4 stars; one submission).

Conditions:
Neurofibromatosis, type 1 (NF1). Also called: Peripheral type neurofibromatosis; VON RECKLINGHAUSEN DISEASE; Neurofibromatosis, type I; NEUROFIBROMATOSIS, TYPE I, SOMATIC. Identifiers: Orphanet 636, MedGen C0027831, MONDO:0018975, OMIM 162200. Disease mechanism: loss of function.

Submission:

Labcorp Genetics (formerly Invitae), Labcorp
Classification: Pathogenic for Neurofibromatosis, type 1. Last evaluated: 2024-04-14. Review status: criteria provided, single submitter. Criteria: Invitae Variant Classification Sherloc (09022015). Collection method: clinical testing. Allele origin: germline.
Comment: This sequence change creates a premature translational stop signal (p.Phe1261Cysfs*6) in the NF1 gene. It is expected to result in an absent or disrupted protein product. Loss-of-function variants in NF1 are known to be pathogenic (PMID: 10712197, 23913538). This variant is not present in population databases (gnomAD no frequency). This variant has not been reported in the literature in individuals affected with NF1-related conditions. For these reasons, this variant has been classified as Pathogenic.

Literature cited by the submitters: PubMed 10712197; PubMed 23913538.

NM_001042492.3(NF1):c.3780_3781dup (p.Phe1261fs)

Gene: NF1 (neurofibromin 1; plus strand). Cytogenetic location: 17q11.2.
Variant type: Duplication.
Coding change: c.3780_3781dup on transcript NM_001042492.3 (MANE Select); coding-DNA positions 3780 to 3781, 2 bases duplicated (GT; older notation c.3780_3781dupGT).
Protein change: p.Phe1261fs; shifts the reading frame from phenylalanine 1261.
Molecular consequence: frameshift variant.
Genome position (GRCh38, 1-based): chr17:31,235,682-31,235,683, GT duplicated; duplicating any 2 consecutive bases within chr17:31,235,681-31,235,683 gives the same sequence; the c. name uses the placement nearest the transcript's 3' end. VCF-style (leftmost placement, unchanged base first): chr17-31235680-A-ATG. GRCh37 (hg19) VCF-style: chr17-29562698-A-ATG.
Other names: c.3780_3781dup, p.Phe1261Cysfs (NM_000267.4); short protein forms F1261fs.
Identifiers: ClinVar variation 3649801 (VCV003649801.2).